The following is an entry in ClinVar:

NM_001323289.2(CDKL5):c.1006C>T (p.Gln336Ter)

Gene: CDKL5 (cyclin dependent kinase like 5; plus strand). Cytogenetic location: Xp22.13.
Variant type: single nucleotide variant.
Coding change: c.1006C>T on transcript NM_001323289.2 (MANE Select); coding-DNA position 1006, C replaced by T.
Protein change: p.Gln336Ter; replaces glutamine 336 with a stop codon.
Molecular consequence: nonsense.
Genome position (GRCh38, 1-based): chrX:18,603,930, C>T. VCF-style: chrX-18603930-C-T. GRCh37 (hg19) VCF-style: chrX-18622050-C-T.
Other names: NM_001323289.2(CDKL5):c.1006C>T; p.Gln336Ter; c.1006C>T, p.Gln336Ter (NM_001037343.2, NM_003159.3); short protein forms Q336*.
Identifiers: ClinVar variation 373086 (VCV000373086.11), dbSNP rs1057518203, ClinGen allele CA16043206.

ClinVar aggregate classification (germline): Pathogenic. Review status: criteria provided, multiple submitters, no conflicts (2 of 4 stars). 4 submissions from 4 submitters: Pathogenic (4). Last evaluated 2024-12-23.

Conditions:
CDKL5 disorder. Identifiers: MedGen CN296942, MONDO:0100039.
Developmental and epileptic encephalopathy, 2 (DEE2). Also called: INFANTILE SPASM SYNDROME, X-LINKED 2; CDKL5 deficiency disorder. Identifiers: Orphanet 1934, Orphanet 3451, Orphanet 505652, MedGen C4750718, MONDO:0010396, OMIM 300672.
Angelman syndrome-like. Identifiers: MedGen CN128785.

Submissions (4):

Centre for Population Genomics, CPG
Classification: Pathogenic for CDKL5 disorder. Last evaluated: 2024-12-23. Review status: criteria provided, single submitter. Criteria: McKnight et al. (Hum Mutat. 2022). Collection method: curation. Allele origin: germline. Inheritance: X-linked inheritance.
Comment: This variant has been collected from RettBASE and curated to current modified ACMG/AMP criteria. Based on the classification scheme defined by the ClinGen Rett/Angelman-like Expert Panel for Rett/AS-like Disorders Specifications to the ACMG/AMP Variant Interpretation Guidelines VCEP 3.0, this variant is classified as pathogenic. At least the following criteria are met: Predicted to result in loss of function, and LOF is a known mechanism of disease (PVS1). This variant has been identified as a de novo occurrence in an individual with CDKL5 disorder without confirmation of paternity and maternity (PM6, PMID: 38874638). This variant is absent from gnomAD (PM2_Supporting).

3billion
Classification: Pathogenic for Developmental and epileptic encephalopathy, 2. Last evaluated: 2024-01-24. Review status: criteria provided, single submitter. Criteria: ACMG Guidelines, 2015. Collection method: clinical testing. Allele origin: germline. Affected: yes.
Comment: The variant is not observed in the gnomAD v2.1.1 dataset. Predicted Consequence/Location: Stop-gained (nonsense): predicted to result in a loss or disruption of normal protein function through nonsense-mediated decay (NMD) or protein truncation. Multiple pathogenic variants are reported downstream of the variant. The variant has been reported at least twice as pathogenic without evidence for the classification (ClinVar ID: VCV000373086). Therefore, this variant is classified as Pathogenic according to the recommendation of ACMG/AMP guideline.

GeneDx
Classification: Pathogenic. Last evaluated: 2019-06-13. Review status: criteria provided, single submitter. Criteria: GeneDx Variant Classification Process June 2021. Collection method: clinical testing. Allele origin: germline. Affected: yes.
Comment: Nonsense variant predicted to result in protein truncation or nonsense mediated decay in a gene for which loss-of-function is a known mechanism of disease; Not observed in large population cohorts (Lek et al., 2016); Has not been previously published as pathogenic or benign to our knowledge

Labcorp Genetics (formerly Invitae), Labcorp
Classification: Pathogenic for Developmental and epileptic encephalopathy, 2; Angelman syndrome-like. Last evaluated: 2018-08-20. Review status: criteria provided, single submitter. Criteria: Invitae Variant Classification Sherloc (09022015). Collection method: clinical testing. Allele origin: germline.
Comment: This variant has not been reported in the literature in individuals with CDKL5-related disease. ClinVar contains an entry for this variant (Variation ID: 373086). This variant is not present in population databases (ExAC no frequency). This sequence change creates a premature translational stop signal (p.Gln336*) in the CDKL5 gene. It is expected to result in an absent or disrupted protein product. Loss-of-function variants in CDKL5 are known to be pathogenic (PMID: 22872100). For these reasons, this variant has been classified as Pathogenic.

Literature cited by the submitters: PubMed 22872100 (cited by Labcorp Genetics (formerly Invitae), Labcorp).